The following is an entry in ClinVar:

ClinVar aggregate classification (germline): Uncertain significance (1 of 4 stars; one submission).

Submission:

Ambry Genetics
Classification: Uncertain significance. Last evaluated: 2023-12-08. Review status: criteria provided, single submitter. Criteria: Ambry Variant Classification Scheme 2023. Collection method: clinical testing. Allele origin: germline.
Comment: The c.236_241delTTAAAG variant (also known as p.V79_K80del) is located in coding exon 3 of the RECQL gene. This variant results from an in-frame TTAAAG deletion at nucleotide positions 236 to 241. This results in the in-frame deletion of a valine and a lysine residue from codon 79 to 80. This amino acid region is well conserved in available vertebrate species. This variant was not reported in population-based cohorts in the Genome Aggregation Database (gnomAD). In addition, this alteration is predicted to be deleterious by in silico analysis (Choi Y et al. PLoS ONE. 2012; 7(10):e46688). The evidence for this gene-disease relationship is limited; therefore, the clinical significance of this alteration is unclear.

NM_002907.4(RECQL):c.236_241del (p.Val79_Lys80del)

Gene: RECQL (RecQ like helicase; minus strand). Cytogenetic location: 12p12.1.
Variant type: Deletion.
Coding change: c.236_241del on transcript NM_002907.4 (MANE Select); coding-DNA positions 236 to 241, 6 bases deleted (TTAAAG; older notation c.236_241delTTAAAG).
Protein change: p.Val79_Lys80del.
Molecular consequence: inframe deletion.
Genome position (GRCh38, 1-based): chr12:21,490,352-21,490,357, CTTTAA deleted on the plus strand (TTAAAG on the coding strand, the reverse complement: RECQL is on the minus strand); deleting any 6 consecutive bases within chr12:21,490,352-21,490,362 gives the same sequence; the c. name uses the placement nearest the transcript's 3' end. VCF-style (leftmost placement, unchanged base first): chr12-21490351-TCTTTAA-T. GRCh37 (hg19) VCF-style: chr12-21643285-TCTTTAA-T.
Other names: c.236_241del, p.Val79_Lys80del (NM_032941.3).
Identifiers: ClinVar variation 1790150 (VCV001790150.2), dbSNP rs2540400472, ClinGen allele CA2580085271.